The following is an entry in ClinVar:

ClinVar aggregate classification (germline): Uncertain significance (1 of 4 stars; one submission).

Allele frequency attached by ClinVar (database versions not stated): TOPMed below 0.00001.
gnomAD v4.1: 5 of 1,613,904 alleles (0.00031%); highest among the groups gnomAD compares: Admixed American, 0.0033%; no homozygotes.

Submission:

Labcorp Genetics (formerly Invitae), Labcorp
Classification: Uncertain significance. Last evaluated: 2022-08-28. Review status: criteria provided, single submitter. Criteria: Invitae Variant Classification Sherloc (09022015). Collection method: clinical testing. Allele origin: germline.
Comment: In summary, the available evidence is currently insufficient to determine the role of this variant in disease. Therefore, it has been classified as a Variant of Uncertain Significance. Algorithms developed to predict the effect of missense changes on protein structure and function (SIFT, PolyPhen-2, Align-GVGD) all suggest that this variant is likely to be tolerated. This variant has not been reported in the literature in individuals affected with MYO1E-related conditions. This variant is present in population databases (no rsID available, gnomAD 0.003%). This sequence change replaces serine, which is neutral and polar, with arginine, which is basic and polar, at codon 574 of the MYO1E protein (p.Ser574Arg).

NM_004998.4(MYO1E):c.1722C>G (p.Ser574Arg)

Gene: MYO1E (myosin IE; minus strand). Cytogenetic location: 15q22.2.
Variant type: single nucleotide variant.
Coding change: c.1722C>G on transcript NM_004998.4 (MANE Select); coding-DNA position 1722, C replaced by G.
Protein change: p.Ser574Arg; replaces serine 574 with arginine.
Molecular consequence: missense variant.
Genome position (GRCh38, 1-based): chr15:59,195,544, G>C on the plus strand (C>G on the coding strand, the complement: MYO1E is on the minus strand). VCF-style: chr15-59195544-G-C. GRCh37 (hg19) VCF-style: chr15-59487743-G-C.
Other names: short protein forms S574R.
Identifiers: ClinVar variation 1901604 (VCV001901604.5), dbSNP rs1483421130, ClinGen allele CA392642592.